The following is an entry in ClinVar:

NM_004268.5(MED17):c.1144-2A>G

Gene: MED17 (mediator complex subunit 17; plus strand). Cytogenetic location: 11q21.
Variant type: single nucleotide variant.
Coding change: c.1144-2A>G on transcript NM_004268.5 (MANE Select); the canonical splice acceptor site of the intron before coding-DNA position 1144, A replaced by G.
Molecular consequence: splice acceptor variant.
Genome position (GRCh38, 1-based): chr11:93,797,533, A>G. VCF-style: chr11-93797533-A-G. GRCh37 (hg19) VCF-style: chr11-93530699-A-G.
Identifiers: ClinVar variation 955667 (VCV000955667.8), dbSNP rs1194234452, ClinGen allele CA382358151.
Genomic context (GRCh38, chr11:93,797,533, plus strand): 5'-ACTAAATATTATGTAGCATTTACTATGTGGATATTGGTATTTAAAATGGCTGTTTTTGTT[A>G]GTTTCATAAACAGACCTTGAGTTCCATCATGATGCCTCATCCAGCAAGTGCACCTTTTGG-3'

ClinVar aggregate classification (germline): Likely pathogenic (1 of 4 stars; one submission).

Allele frequency attached by ClinVar (database versions not stated): gnomAD exomes below 0.00001.
gnomAD v4.1: 1 of 1,613,810 alleles (0.000062%); highest among the groups gnomAD compares: Non-Finnish European, 0.000085%; no homozygotes.

Submission:

Labcorp Genetics (formerly Invitae), Labcorp
Classification: Likely pathogenic. Last evaluated: 2019-07-23. Review status: criteria provided, single submitter. Criteria: Invitae Variant Classification Sherloc (09022015). Collection method: clinical testing. Allele origin: germline.
Comment: This variant is not present in population databases (ExAC no frequency). In summary, the currently available evidence indicates that the variant is pathogenic, but additional data are needed to prove that conclusively. Therefore, this variant has been classified as Likely Pathogenic. Donor and acceptor splice site variants typically lead to a loss of protein function (PMID: 16199547), and loss-of-function variants in MED17 are known to be pathogenic (PMID: 20950787, 26004231). Algorithms developed to predict the effect of sequence changes on RNA splicing suggest that this variant may disrupt the consensus splice site, but this prediction has not been confirmed by published transcriptional studies. This variant has not been reported in the literature in individuals with MED17-related conditions. This sequence change affects an acceptor splice site in intron 7 of the MED17 gene. It is expected to disrupt RNA splicing and likely results in an absent or disrupted protein product.

Literature cited by the submitters: PubMed 16199547; PubMed 20950787; PubMed 26004231.